The following is an entry in ClinVar:

ClinVar aggregate classification (germline): Pathogenic/Likely pathogenic. Review status: criteria provided, multiple submitters, no conflicts (2 of 4 stars). 2 submissions from 2 submitters: Pathogenic (1); Likely pathogenic (1). Last evaluated 2022-08-23.

Conditions:
Joubert syndrome 8 (JBTS8). Identifiers: Orphanet 475, MedGen C2676771, MONDO:0012855, OMIM 612291.
ARL13B-related disorder. Also called: ARL13B-related condition.

Allele frequency attached by ClinVar (database versions not stated): gnomAD 0.00001.
gnomAD v4.1: 1 of 1,613,858 alleles (0.000062%); highest among the groups gnomAD compares: African/African-American, 0.0013%; no homozygotes.

Submissions (2):

Labcorp Genetics (formerly Invitae), Labcorp
Classification: Pathogenic for Joubert syndrome 8. Last evaluated: 2022-08-23. Review status: criteria provided, single submitter. Criteria: Invitae Variant Classification Sherloc (09022015). Collection method: clinical testing. Allele origin: germline.
Comment: For these reasons, this variant has been classified as Pathogenic. ClinVar contains an entry for this variant (Variation ID: 1440955). This variant has not been reported in the literature in individuals affected with ARL13B-related conditions. This sequence change creates a premature translational stop signal (p.Gln258*) in the ARL13B gene. It is expected to result in an absent or disrupted protein product. Loss-of-function variants in ARL13B are known to be pathogenic (PMID: 18674751). The frequency data for this variant in the population databases is considered unreliable, as metrics indicate poor data quality at this position in the gnomAD database.

Blueprint Genetics
Classification: Likely pathogenic for ARL13B-related disorders. Last evaluated: 2018-10-09. Review status: criteria provided, single submitter. Criteria: ACMG Guidelines, 2015. Collection method: clinical testing. Allele origin: germline. Affected: yes. Observed: 1 variant allele.

Literature cited by the submitters: PubMed 18674751 (cited by Labcorp Genetics (formerly Invitae), Labcorp).

NM_001174150.2(ARL13B):c.772C>T (p.Gln258Ter)

Gene: ARL13B (ARF like GTPase 13B; plus strand). Cytogenetic location: 3q11.2.
Variant type: single nucleotide variant.
Coding change: c.772C>T on transcript NM_001174150.2 (MANE Select); coding-DNA position 772, C replaced by T.
Protein change: p.Gln258Ter; replaces glutamine 258 with a stop codon.
Molecular consequence: nonsense. On other transcripts: non-coding transcript variant (2).
Genome position (GRCh38, 1-based): chr3:94,039,962, C>T. VCF-style: chr3-94039962-C-T. GRCh37 (hg19) VCF-style: chr3-93758806-C-T.
Other names: c.463C>T, p.Gln155Ter (NM_001174151.2); c.727C>T, p.Gln243Ter (NM_001321328.2); c.451C>T, p.Gln151Ter (NM_144996.4); c.772C>T, p.Gln258Ter (NM_182896.3); short protein forms Q155*, Q258*, Q151*, Q243*.
Identifiers: ClinVar variation 1440955 (VCV001440955.7), dbSNP rs1362774896, ClinGen allele CA353678731.
Genomic context (GRCh38, chr3:94,039,962, plus strand): 5'-GCTGAACTCGATGGAACCAGTGGTCTGGCTGAGTTGGACCCAGAACCAACGAATCCTTTC[C>T]AGCCAATAGCATCTGTAATCATTGAGGTATGAATGATGGCAAATGTAATTTTTGTATCTT-3'